The following is an entry in ClinVar:

NM_004859.4(CLTC):c.3523T>C (p.Phe1175Leu)

Gene: CLTC (clathrin heavy chain; plus strand). Cytogenetic location: 17q23.1.
Variant type: single nucleotide variant.
Coding change: c.3523T>C on transcript NM_004859.4 (MANE Select); coding-DNA position 3523, T replaced by C.
Protein change: p.Phe1175Leu; replaces phenylalanine 1175 with leucine.
Molecular consequence: missense variant.
Genome position (GRCh38, 1-based): chr17:59,682,351, T>C. VCF-style: chr17-59682351-T-C. GRCh37 (hg19) VCF-style: chr17-57759712-T-C.
Other names: c.3535T>C, p.Phe1179Leu (NM_001288653.2); short protein forms F1175L, F1179L.
Identifiers: ClinVar variation 4704224 (VCV004704224.1).

ClinVar aggregate classification (germline): Uncertain significance (1 of 4 stars; one submission).

gnomAD v4.1: 1 of 1,614,140 alleles (0.000062%); highest among the groups gnomAD compares: Non-Finnish European, 0.000085%; no homozygotes.

Submission:

Labcorp Genetics (formerly Invitae), Labcorp
Classification: Uncertain significance. Last evaluated: 2025-12-30. Review status: criteria provided, single submitter. Criteria: Invitae Variant Classification Sherloc (09022015). Collection method: clinical testing. Allele origin: germline.
Comment: This sequence change replaces phenylalanine, which is neutral and non-polar, with leucine, which is neutral and non-polar, at codon 1179 of the CLTC protein (p.Phe1179Leu). This variant is not present in population databases (gnomAD no frequency). This variant has not been reported in the literature in individuals affected with CLTC-related conditions. Invitae Evidence Modeling of protein sequence and biophysical properties (such as structural, functional, and spatial information, amino acid conservation, physicochemical variation, residue mobility, and thermodynamic stability) indicates that this missense variant is not expected to disrupt CLTC protein function with a negative predictive value of 80%. In summary, the available evidence is currently insufficient to determine the role of this variant in disease. Therefore, it has been classified as a Variant of Uncertain Significance.